The following is an entry in ClinVar:

ClinVar aggregate classification (germline): Benign/Likely benign. Review status: criteria provided, multiple submitters, no conflicts (2 of 4 stars). 23 submissions from 23 submitters: Benign (7); Likely benign (11). 5 of the submissions do not count toward it. Last evaluated 2026-08-01.

Conditions:
APC-Associated Polyposis Disorders.
Hereditary cancer-predisposing syndrome. Also called: Neoplastic Syndromes, Hereditary; Tumor predisposition; Hereditary neoplastic syndrome; Hereditary Cancer Syndrome. Identifiers: Orphanet 140162, MedGen C0027672, MeSH D009386, MONDO:0015356.
Familial multiple polyposis syndrome (FAP). Also called: Familial Adenomatous Polyposis (FAP); Familial intestinal polyposis; Familial polyposis; Familial adenomatous polyposis; Classic familial adenomatous polyposis. Identifiers: Orphanet 733, MedGen C0032580, MONDO:0021055. Disease mechanism: loss of function.
Familial adenomatous polyposis 1 (FAP1). Also called: POLYPOSIS, ADENOMATOUS INTESTINAL; FAMILIAL ADENOMATOUS POLYPOSIS 1, ATTENUATED. Identifiers: MedGen C2713442, MONDO:0021056, OMIM 175100. Disease mechanism: loss of function.
Carcinoma of colon (CRC). Also called: Colonic carcinoma; Colon carcinoma. Identifiers: MedGen C0699790, MONDO:0002032.

Allele frequency attached by ClinVar (database versions not stated): 1000 Genomes Project 30x 0.00031; 1000 Genomes Project 0.00040; gnomAD 0.00040; gnomAD exomes 0.00047 and 0.00053; TOPMed 0.00047; ExAC 0.00051.
gnomAD v4.1: 818 of 1,614,184 alleles (0.051%); highest among the groups gnomAD compares: Non-Finnish European, 0.061%; no homozygotes.

Submissions (23):

CeGaT Center for Human Genetics Tuebingen
Classification: Likely benign. Last evaluated: 2026-08-01. Review status: criteria provided, single submitter. Criteria: CeGaT Center For Human Genetics Tuebingen Variant Classification Criteria Version 2. Collection method: clinical testing. Allele origin: germline. Affected: yes. Observed: 11 variant alleles.
Comment: APC: BP4, BS1

Institute for Biomarker Research, Medical Diagnostic Laboratories, L.L.C.
Classification: Benign for Hereditary cancer-predisposing syndrome. Last evaluated: 2026-05-05. Review status: criteria provided, single submitter. Criteria: ACMG Guidelines, 2015. Collection method: clinical testing. Allele origin: germline.
Comment: The synonymous variant NM_000038.6(APC):c.2805C>T (p.Tyr935=) has been reported to ClinVar as Benign/Likely benign with a status of (2 stars) criteria provided, multiple submitters, no conflicts (Accession: VCV000136408.87). The variant is observed in one or more well-documented healthy adults. The p.Tyr935= variant is not predicted to disrupt an existing splice site. The p.Tyr935= variant is predicted to introduce a novel splice site by 1 of 4 splice site algorithms. The p.Tyr935= variant results in a substitution of a base that is not predicted conserved by GERP++ and PhyloP. For these reasons, this variant has been classified as Benign.

Labcorp Genetics (formerly Invitae), Labcorp
Classification: Benign for Familial adenomatous polyposis 1. Last evaluated: 2026-02-03. Review status: criteria provided, single submitter. Criteria: Invitae Variant Classification Sherloc (09022015). Collection method: clinical testing. Allele origin: germline.

Center for Genomic Medicine, Rigshospitalet, Copenhagen University Hospital
Classification: Likely benign. Last evaluated: 2025-03-04. Review status: criteria provided, single submitter. Criteria: ACMG Guidelines, 2015. Collection method: clinical testing. Allele origin: germline.

Blueprint Genetics
Classification: Likely benign. Last evaluated: 2024-11-25. Review status: criteria provided, single submitter. Criteria: ACMG Guidelines, 2015. Collection method: clinical testing. Allele origin: germline.

ARUP Laboratories, Molecular Genetics and Genomics, ARUP Laboratories
Classification: Benign. Last evaluated: 2024-06-17. Review status: criteria provided, single submitter. Criteria: ARUP Molecular Germline Variant Investigation Process 2024. Collection method: clinical testing. Allele origin: germline.

Myriad Genetics, Inc.
Classification: Benign for Familial adenomatous polyposis 1. Last evaluated: 2024-03-15. Review status: criteria provided, single submitter. Criteria: Myriad Autosomal Dominant, Autosomal Recessive and X-Linked Classification Criteria (2023). Collection method: clinical testing. Allele origin: unknown.
Comment: This variant is considered benign. This variant is a silent/synonymous amino acid change and it is not expected to impact splicing.

Quest Diagnostics Nichols Institute San Juan Capistrano
Classification: Benign. Last evaluated: 2022-11-04. Review status: criteria provided, single submitter. Criteria: Quest Diagnostics criteria. Collection method: clinical testing. Allele origin: unknown.

Genetic Services Laboratory, University of Chicago
Classification: Likely benign. Last evaluated: 2021-12-22. Review status: criteria provided, single submitter. Criteria: ACMG Guidelines, 2015. Collection method: clinical testing. Allele origin: germline. Affected: no.

Sema4
Classification: Benign for Hereditary cancer-predisposing syndrome. Last evaluated: 2020-09-22. Review status: criteria provided, single submitter. Criteria: Sema4 Curation Guidelines. Collection method: curation. Allele origin: germline.

Mendelics
Classification: Likely benign for Familial adenomatous polyposis 1. Last evaluated: 2019-05-28. Review status: criteria provided, single submitter. Criteria: Mendelics Assertion Criteria 2017. Collection method: clinical testing. Allele origin: unknown.

PreventionGenetics, part of Exact Sciences
Classification: Likely benign. Last evaluated: 2018-01-22. Review status: criteria provided, single submitter. Criteria: ACMG Guidelines, 2015. Collection method: clinical testing. Allele origin: germline.

Illumina Laboratory Services, Illumina
Classification: Likely benign for APC-Associated Polyposis Disorders. Last evaluated: 2018-01-13. Review status: criteria provided, single submitter. Criteria: ICSL Variant Classification Criteria 13 December 2019. Collection method: clinical testing. Allele origin: germline.
Comment: This variant was observed in the ICSL laboratory as part of a predisposition screen in an ostensibly healthy population. It had not been previously curated by ICSL or reported in the Human Gene Mutation Database (HGMD: prior to June 1st, 2018), and was therefore a candidate for classification through an automated scoring system. Utilizing variant allele frequency, disease prevalence and penetrance estimates, and inheritance mode, an automated score was calculated to assess if this variant is too frequent to cause the disease. Based on the score and internal cut-off values, a variant classified as likely benign is not then subjected to further curation. The score for this variant resulted in a classification of likely benign for this disease.

Laboratory for Molecular Medicine, Mass General Brigham Personalized Medicine
Classification: Likely benign. Last evaluated: 2016-03-28. Review status: criteria provided, single submitter. Criteria: LMM Criteria. Collection method: clinical testing. Allele origin: germline.
Comment: Variant identified in a genome or exome case(s) and assessed due to predicted null impact of the variant or pathogenic assertions in the literature or databases. Disclaimer: This variant has not undergone full assessment. The following are preliminary notes: Silent, ClinVar: variant classified as benign by 2 labs; ExAC: 0.1% (51/66634) European chromosomes

Color Diagnostics, LLC DBA Color Health
Classification: Likely benign for Hereditary cancer-predisposing syndrome. Last evaluated: 2016-03-17. Review status: criteria provided, single submitter. Criteria: ACMG Guidelines, 2015. Collection method: clinical testing. Allele origin: germline.

Genomic Diagnostic Laboratory, Division of Genomic Diagnostics, Children's Hospital of Philadelphia
Classification: Likely benign for Adenomatous polyposis coli. Last evaluated: 2015-07-10. Review status: criteria provided, single submitter. Criteria: DGD Variant Analysis Guidelines. Collection method: clinical testing. Allele origin: unknown.

Ambry Genetics
Classification: Likely benign for Hereditary cancer-predisposing syndrome. Last evaluated: 2014-08-29. Review status: criteria provided, single submitter. Criteria: Ambry Variant Classification Scheme 2023. Collection method: clinical testing. Allele origin: germline.

GeneDx
Classification: Benign. Last evaluated: 2014-05-21. Review status: criteria provided, single submitter. Criteria: GeneDx Variant Classification (06012015). Collection method: clinical testing. Allele origin: germline. Affected: yes.
Comment: This variant is considered likely benign or benign based on one or more of the following criteria: it is a conservative change, it occurs at a poorly conserved position in the protein, it is predicted to be benign by multiple in silico algorithms, and/or has population frequency not consistent with disease.

Clinical Genetics, Academic Medical Center
Classification: Benign. Review status: no assertion criteria provided. Collection method: clinical testing. Allele origin: germline. Affected: yes. Study: VKGL Data-share Consensus. Not counted in ClinVar's aggregate classification.

Department of Pathology and Laboratory Medicine, Sinai Health System
Classification: Benign for Carcinoma of colon. Review status: no assertion criteria provided. Collection method: clinical testing. Allele origin: unknown. Affected: yes. Study: The Canadian Open Genetics Repository (COGR). Not counted in ClinVar's aggregate classification.
Comment: The APC p.Tyr935Tyr variant was identified in dbSNP (ID: rs137854575) â€šÃ„ÃºWith Pathogenic alleleâ€šÃ„Ã¹, with a minor allele frequency of 0.0004 (1000 Genomes Project), NHLBI Exome Sequencing Project (Exome Variant Server) and the ClinVar database (classified as a benign variant by GeneDX). The variant was identified by the Exome Variant Server project in 5 of 13004 European American and African American alleles (frequency: 0.0004), although this low number of observations and low frequency is not substantive enough to determine the prevalence of the variant in the general population and its relationship to disease.The p.Tyr935Tyr variant is not expected to have clinical significance because it does not result in a change of amino acid and is not located in a known consensus splice site. In addition, in silico or computational prediction software programs (SpliceSiteFinder, MaxEntScan, NNSPLICE, GeneSplicer, HumanSpliceFinder) do not predict a difference in splicing. In summary, based on the above information, this variant meets our laboratory's criteria to be classified as benign.

Joint Genome Diagnostic Labs from Nijmegen and Maastricht, Radboudumc and MUMC+
Classification: Likely benign. Review status: no assertion criteria provided. Collection method: clinical testing. Allele origin: germline. Affected: yes. Study: VKGL Data-share Consensus. Not counted in ClinVar's aggregate classification.

Laboratory of Diagnostic Genome Analysis, Leiden University Medical Center (LUMC)
Classification: Likely benign. Review status: no assertion criteria provided. Collection method: clinical testing. Allele origin: germline. Affected: yes. Study: VKGL Data-share Consensus. Not counted in ClinVar's aggregate classification.

Mayo Clinic Laboratories, Mayo Clinic
Classification: Likely benign. Review status: no assertion criteria provided. Collection method: clinical testing. Allele origin: unknown. Not counted in ClinVar's aggregate classification.

Literature cited by the submitters: PubMed 12173026 (cited by Quest Diagnostics Nichols Institute San Juan Capistrano).

NM_000038.6(APC):c.2805C>T (p.Tyr935=)

Gene: APC (APC regulator of Wnt signaling pathway; plus strand). Cytogenetic location: 5q22.2.
Variant type: single nucleotide variant.
Coding change: c.2805C>T on transcript NM_000038.6 (MANE Select); coding-DNA position 2805, C replaced by T.
Protein change: p.Tyr935=; no amino-acid change (tyrosine 935 retained).
Molecular consequence: synonymous variant.
Genome position (GRCh38, 1-based): chr5:112,838,399, C>T. VCF-style: chr5-112838399-C-T. GRCh37 (hg19) VCF-style: chr5-112174096-C-T.
Other names: p.Y935Y:TAC>TAT; c.2805C>T, p.Tyr935= (NM_001127510.3, NM_001354895.2); c.2751C>T, p.Tyr917= (NM_001127511.3); c.2859C>T, p.Tyr953= (NM_001354896.2); c.2835C>T, p.Tyr945= (NM_001354897.2); c.2730C>T, p.Tyr910= (NM_001354898.2); c.2721C>T, p.Tyr907= (NM_001354899.2); c.2682C>T, p.Tyr894= (NM_001354900.2); and 6 more.
Identifiers: ClinVar variation 136408 (VCV000136408.92), dbSNP rs137854575, ClinGen allele CA007819.
Genomic context (GRCh38, chr5:112,838,399, plus strand): 5'-GACAGATGAGAGAAATGCACTTAGAAGAAGCTCTGCTGCCCATACACATTCAAACACTTA[C>T]AATTTCACTAAGTCGGAAAATTCAAATAGGACATGTTCTATGCCTTATGCCAAATTAGAA-3'
Protein context (NP_000029.2, residues 925-945): SSAAHTHSNT[Tyr935=]NFTKSENSNR